The following is an entry in ClinVar:

NM_001370100.5(ZMYND11):c.557C>T (p.Pro186Leu)

Gene: ZMYND11 (zinc finger MYND-type containing 11; plus strand). Cytogenetic location: 10p15.3.
Variant type: single nucleotide variant.
Coding change: c.557C>T on transcript NM_001370100.5 (MANE Select); coding-DNA position 557, C replaced by T.
Protein change: p.Pro186Leu; replaces proline 186 with leucine.
Molecular consequence: missense variant. On other transcripts: non-coding transcript variant (1), intron variant (4).
Genome position (GRCh38, 1-based): chr10:237,625, C>T. VCF-style: chr10-237625-C-T. GRCh37 (hg19) VCF-style: chr10-283565-C-T.
Other names: c.395C>T, p.Pro132Leu (NM_001202467.1, NM_001202464.3, NM_001202466.3 and 9 more transcripts); c.557C>T, p.Pro186Leu (NM_001202468.1, NM_001370097.3, NM_001370098.2 and 8 more transcripts); c.506C>T, p.Pro169Leu (NM_001330057.3, NM_001370112.2); c.491C>T, p.Pro164Leu (NM_001370116.2); c.437C>T, p.Pro146Leu (NM_001370118.2); c.329C>T, p.Pro110Leu (NM_001370120.2); c.275C>T, p.Pro92Leu (NM_001370121.2); c.344C>T, p.Pro115Leu (NM_001370123.2); and 3 more; short protein forms P132L, P115L, P164L, P110L, P146L, P169L, P29L, P186L.
Identifiers: ClinVar variation 5032160 (VCV005032160.1).

ClinVar aggregate classification (germline): Uncertain significance (1 of 4 stars; one submission).

Conditions:
Inborn genetic diseases. Identifiers: MedGen C0950123, MeSH D030342.

gnomAD v4.1: 10 of 1,613,398 alleles (0.00062%); highest among the groups gnomAD compares: Middle Eastern, 0.016%; no homozygotes.

Submission:

Ambry Genetics
Classification: Uncertain significance for Inborn genetic diseases. Last evaluated: 2026-08-18. Review status: criteria provided, single submitter. Criteria: Ambry Variant Classification Scheme 2023. Collection method: clinical testing. Allele origin: germline.
Comment: The c.557C>T (p.P186L) alteration is located in exon 1 (coding exon 1) of the ZMYND11 gene. This alteration results from a C to T substitution at nucleotide position 557, causing the proline (P) at amino acid position 186 to be replaced by a leucine (L). Based on data from gnomAD, the T allele has an overall frequency of <0.001% (1/250920) total alleles studied. The highest observed frequency was 0.006% (1/16238) of African alleles. Based on insufficient or conflicting evidence, the clinical significance of this alteration remains unclear.